The following is an entry in ClinVar:

NM_015330.6(SPECC1L):c.1846A>G (p.Lys616Glu)

Genes: SPECC1L (sperm antigen with calponin homology and coiled-coil domains 1 like; plus strand), SPECC1L-ADORA2A (SPECC1L-ADORA2A readthrough (NMD candidate); plus strand). Cytogenetic location: 22q11.23.
Variant type: single nucleotide variant.
Coding change: c.1846A>G on transcript NM_015330.6 (MANE Select); coding-DNA position 1846, A replaced by G.
Protein change: p.Lys616Glu; replaces lysine 616 with glutamic acid.
Molecular consequence: missense variant. On other transcripts: non-coding transcript variant (1).
Genome position (GRCh38, 1-based): chr22:24,322,826, A>G. VCF-style: chr22-24322826-A-G. GRCh37 (hg19) VCF-style: chr22-24718794-A-G.
Other names: c.1846A>G, p.Lys616Glu (NM_001145468.4, NM_001254732.3); short protein forms K616E.
Identifiers: ClinVar variation 3351436 (VCV003351436.3).

ClinVar aggregate classification (germline): Uncertain significance. Review status: criteria provided, multiple submitters, no conflicts (2 of 4 stars). 3 submissions from 3 submitters: Uncertain significance (2). 1 of the submissions does not count toward it. Last evaluated 2025-09-10.

Conditions:
SPECC1L-related disorder. Also called: SPECC1L-related condition.

gnomAD v4.1: 1 of 1,610,156 alleles (0.000062%); highest among the groups gnomAD compares: Non-Finnish European, 0.000085%; no homozygotes.

Submissions (3):

GeneDx
Classification: Uncertain significance. Last evaluated: 2025-09-10. Review status: criteria provided, single submitter. Criteria: GeneDx Variant Classification Process June 2021. Collection method: clinical testing. Allele origin: germline. Affected: yes.
Comment: Not observed at significant frequency in large population cohorts (gnomAD); In silico analysis supports that this missense variant has a deleterious effect on protein structure/function; Has not been previously published as pathogenic or benign to our knowledge

Blueprint Genetics
Classification: Uncertain significance. Last evaluated: 2021-11-15. Review status: criteria provided, single submitter. Criteria: ACMG Guidelines, 2015. Collection method: clinical testing. Allele origin: germline.

PreventionGenetics, part of Exact Sciences
Classification: Uncertain significance for SPECC1L-related condition. Last evaluated: 2024-03-14. Review status: no assertion criteria provided. Collection method: clinical testing. Allele origin: germline. Not counted in ClinVar's aggregate classification.
Comment: The SPECC1L c.1846A>G variant is predicted to result in the amino acid substitution p.Lys616Glu. To our knowledge, this variant has not been reported in the literature or in a large population database, indicating this variant is rare. At this time, the clinical significance of this variant is uncertain due to the absence of conclusive functional and genetic evidence.